The following is an entry in ClinVar:

ClinVar aggregate classification (germline): Conflicting classifications of pathogenicity. Review status: criteria provided, conflicting classifications (1 of 4 stars). 3 submissions from 3 submitters: Uncertain significance (1); Benign (1); Likely benign (1). Last evaluated 2026-01-12.

Conditions:
Generalized epilepsy with febrile seizures plus, type 2 (GEFSP2). Also called: GEFS+, TYPE 2. Identifiers: Orphanet 36387, MedGen C1858673, MONDO:0011461, OMIM 604403.
Developmental and epileptic encephalopathy 6B. Also called: Developmental and epileptic encephalopathy 6B, non-Dravet. Identifiers: MedGen C5543353, MONDO:0030268, OMIM 619317.
Severe myoclonic epilepsy in infancy (DRVT). Also called: SEVERE MYOCLONIC EPILEPSY OF INFANCY; Epileptic encephalopathy, early infantile, 6 (Dravet syndrome); DEVELOPMENTAL AND EPILEPTIC ENCEPHALOPATHY 6A; Severe Myoclonic Epilepsy in Infancy (SMEI); Dravet syndrome. Identifiers: Orphanet 33069, MedGen C0751122, MONDO:0100135, OMIM 607208.
Early-infantile DEE. Also called: Ohtahara syndrome; Early infantile epileptic encephalopathy with suppression bursts; Early infantile epileptic encephalopathy. Identifiers: Orphanet 1934, MedGen C0393706, MONDO:0800491.

Allele frequency attached by ClinVar (database versions not stated): gnomAD exomes below 0.00001; gnomAD 0.00001 and 0.00002; TOPMed 0.00001.
gnomAD v4.1: 4 of 1,606,232 alleles (0.00025%); highest among the groups gnomAD compares: African/African-American, 0.0027%; no homozygotes.

Submissions (3):

Labcorp Genetics (formerly Invitae), Labcorp
Classification: Benign for Early-infantile DEE. Last evaluated: 2026-01-12. Review status: criteria provided, single submitter. Criteria: Invitae Variant Classification Sherloc (09022015). Collection method: clinical testing. Allele origin: germline.

New York Genome Center
Classification: Uncertain significance for Severe myoclonic epilepsy in infancy; Generalized epilepsy with febrile seizures plus, type 2; Developmental and epileptic encephalopathy 6B. Last evaluated: 2021-09-15. Review status: criteria provided, single submitter. Criteria: NYGC Assertion Criteria 2020. Collection method: clinical testing. Allele origin: inherited. Observed: 1 heterozygote. Study: CSER-NYCKidSeq.
Comment: The inherited c.3889G>A (p.(Val1297Ile)) variant identified in SCN1A has not previously been reported in the literature or public variant repositories (ClinVar and LOVD). This variant is observed at a low frequency (4 heterozygous alleles with ~0.001% allele frequency) across the population databases(gnomAD v2.1 and v3.1, TOPMed Freeze 5) suggesting it is not a common benign variant in the populations represented in those databases. In silico algorithms predict conflicting effects of this variant on the encoded transcript. Based on the available evidence, this inherited c.3856G>A variant identified in SCN1A is reported as a Variant of Uncertain Significance.

GeneDx
Classification: Likely benign. Last evaluated: 2020-07-22. Review status: criteria provided, single submitter. Criteria: GeneDx Variant Classification Process June 2021. Collection method: clinical testing. Allele origin: germline. Affected: yes.
Comment: Missense variants in this gene are often considered pathogenic (Stenson et al., 2014); In silico analysis supports that this missense variant does not alter protein structure/function; Has not been previously published as pathogenic or benign to our knowledge; This substitution is predicted to be within the cytoplasmic loop between the S2 and S3 transmembrane segments of the third homologous domain; This substitution is predicted to be within the cytoplasmic loop between the S2 and S3 transmembrane segments of the third homologous domain

NM_001165963.4(SCN1A):c.3889G>A (p.Val1297Ile)

Genes: SCN1A (sodium voltage-gated channel alpha subunit 1; minus strand), LOC102724058 (uncharacterized LOC102724058; plus strand). Cytogenetic location: 2q24.3.
Variant type: single nucleotide variant.
Coding change: c.3889G>A on transcript NM_001165963.4 (MANE Select); coding-DNA position 3889, G replaced by A.
Protein change: p.Val1297Ile; replaces valine 1297 with isoleucine.
Molecular consequence: missense variant. On other transcripts: non-coding transcript variant (1).
Genome position (GRCh38, 1-based): chr2:166,009,832, C>T on the plus strand (G>A on the coding strand, the complement: SCN1A is on the minus strand). VCF-style: chr2-166009832-C-T. GRCh37 (hg19) VCF-style: chr2-166866342-C-T.
Other names: c.3805G>A, p.Val1269Ile (NM_001165964.3, NM_001353957.2, NM_001353958.2); c.3889G>A, p.Val1297Ile (NM_001202435.3, NM_001353948.2); c.3856G>A, p.Val1286Ile (NM_001353949.2, NM_001353950.2, NM_001353951.2 and 2 more transcripts); c.3853G>A, p.Val1285Ile (NM_001353954.2, NM_001353955.2); c.3802G>A, p.Val1268Ile (NM_001353960.2); c.1447G>A, p.Val483Ile (NM_001353961.2); short protein forms V1268I, V1269I, V1285I, V1286I, V1297I, V483I.
Identifiers: ClinVar variation 1217508 (VCV001217508.12), dbSNP rs1260685558, ClinGen allele CA349053504.